The following is an entry in ClinVar:

NM_031433.4(MFRP):c.1616G>A (p.Arg539His)

Genes: C1QTNF5 (C1q and TNF related 5; minus strand), MFRP (membrane frizzled-related protein; minus strand). Cytogenetic location: 11q23.3.
Variant type: single nucleotide variant.
Coding change: c.1616G>A on transcript NM_031433.4 (MANE Select); coding-DNA position 1616, G replaced by A.
Protein change: p.Arg539His; replaces arginine 539 with histidine.
Molecular consequence: missense variant. On other transcripts: 5 prime UTR variant (1).
Genome position (GRCh38, 1-based): chr11:119,341,672, C>T on the plus strand (G>A on the coding strand, the complement: MFRP is on the minus strand). VCF-style: chr11-119341672-C-T. GRCh37 (hg19) VCF-style: chr11-119212382-C-T.
Other names: c.-1021G>A (NM_015645.5); short protein forms R539H.
Identifiers: ClinVar variation 1035134 (VCV001035134.11), dbSNP rs750570918, ClinGen allele CA6320054.

ClinVar aggregate classification (germline): Uncertain significance. Review status: criteria provided, multiple submitters, no conflicts (2 of 4 stars). 2 submissions from 2 submitters: Uncertain significance (2). Last evaluated 2023-06-08.

Conditions:
Isolated microphthalmia 5. Also called: Posterior Microphthalmia with Retinitis Pigmentosa, Foveoschisis, and Optic Disc Drusen. Identifiers: Orphanet 251279, MedGen C1970236, MONDO:0012605, OMIM 611040.

Allele frequency attached by ClinVar (database versions not stated): gnomAD exomes 0.00008 and 0.00006; TOPMed 0.00002; ExAC 0.00003.
gnomAD v4.1: 99 of 1,612,930 alleles (0.0061%); highest among the groups gnomAD compares: Admixed American, 0.005%; no homozygotes.

Submissions (2):

Blueprint Genetics
Classification: Uncertain significance. Last evaluated: 2023-06-08. Review status: criteria provided, single submitter. Criteria: ACMG Guidelines, 2015. Collection method: clinical testing. Allele origin: germline.

Labcorp Genetics (formerly Invitae), Labcorp
Classification: Uncertain significance for Isolated microphthalmia 5. Last evaluated: 2020-05-22. Review status: criteria provided, single submitter. Criteria: Invitae Variant Classification Sherloc (09022015). Collection method: clinical testing. Allele origin: germline.
Comment: This variant is present in population databases (rs750570918, ExAC 0.02%). This sequence change replaces arginine with histidine at codon 539 of the MFRP protein (p.Arg539His). The arginine residue is highly conserved and there is a small physicochemical difference between arginine and histidine. This variant has not been reported in the literature in individuals with MFRP-related conditions. Algorithms developed to predict the effect of missense changes on protein structure and function (SIFT, PolyPhen-2, Align-GVGD) all suggest that this variant is likely to be disruptive, but these predictions have not been confirmed by published functional studies and their clinical significance is uncertain. This variant disrupts the p.Arg539 amino acid residue in MFRP. Other variant(s) that disrupt this residue have been determined to be pathogenic (PMID: 25412400, 26583794, 29170418, 30181649). This suggests that this residue is clinically significant, and that variants that disrupt this residue are likely to be disease-causing. In summary, the available evidence is currently insufficient to determine the role of this variant in disease. Therefore, it has been classified as a Variant of Uncertain Significance.

Literature cited by the submitters: PubMed 25412400 (cited by Labcorp Genetics (formerly Invitae), Labcorp); PubMed 26583794 (cited by Labcorp Genetics (formerly Invitae), Labcorp); PubMed 29170418 (cited by Labcorp Genetics (formerly Invitae), Labcorp); PubMed 30181649 (cited by Labcorp Genetics (formerly Invitae), Labcorp).